The following is an entry in ClinVar:

NM_004453.4(ETFDH):c.148C>T (p.Pro50Ser)

Gene: ETFDH (electron transfer flavoprotein dehydrogenase; plus strand). Cytogenetic location: 4q32.1.
Variant type: single nucleotide variant.
Coding change: c.148C>T on transcript NM_004453.4 (MANE Select); coding-DNA position 148, C replaced by T.
Protein change: p.Pro50Ser; replaces proline 50 with serine.
Molecular consequence: missense variant. On other transcripts: intron variant (1).
Genome position (GRCh38, 1-based): chr4:158,680,580, C>T. VCF-style: chr4-158680580-C-T. GRCh37 (hg19) VCF-style: chr4-159601732-C-T.
Other names: c.35-1615C>T (NM_001281737.2); short protein forms P50S.
Identifiers: ClinVar variation 990929 (VCV000990929.3), dbSNP rs937646249, ClinGen allele CA108847657.

ClinVar aggregate classification (germline): Uncertain significance. Review status: criteria provided, single submitter (1 of 4 stars). 2 submissions from 2 submitters: Uncertain significance (1). 1 of the submissions does not count toward it. Last evaluated 2021-09-30.

Conditions:
Multiple acyl-CoA dehydrogenase deficiency (MADD). Also called: Glutaric acidemia type II; GA 2; ETHYLMALONIC-ADIPICACIDURIA; GA II; Glutaric aciduria, type 2; Glutaric Acidemia type 2. Identifiers: Orphanet 26791, MedGen C0268596, MONDO:0009282, OMIM 231680.

Allele frequency attached by ClinVar (database versions not stated): TOPMed below 0.00001; gnomAD 0.00001; gnomAD exomes 0.00001.
gnomAD v4.1: 6 of 1,609,662 alleles (0.00037%); highest among the groups gnomAD compares: East Asian, 0.0067%; no homozygotes.

Submissions (2):

Labcorp Genetics (formerly Invitae), Labcorp
Classification: Uncertain significance for Multiple acyl-CoA dehydrogenase deficiency. Last evaluated: 2021-09-30. Review status: criteria provided, single submitter. Criteria: Invitae Variant Classification Sherloc (09022015). Collection method: clinical testing. Allele origin: germline.
Comment: This sequence change replaces proline with serine at codon 50 of the ETFDH protein (p.Pro50Ser). The proline residue is highly conserved and there is a moderate physicochemical difference between proline and serine. This variant is not present in population databases (ExAC no frequency). This variant has not been reported in the literature in individuals with ETFDH-related conditions. Algorithms developed to predict the effect of missense changes on protein structure and function (SIFT, PolyPhen-2, Align-GVGD) all suggest that this variant is likely to be tolerated, but these predictions have not been confirmed by published functional studies and their clinical significance is uncertain. In summary, the available evidence is currently insufficient to determine the role of this variant in disease. Therefore, it has been classified as a Variant of Uncertain Significance.

Natera, Inc.
Classification: Uncertain significance for Glutaric aciduria type 2. Last evaluated: 2020-11-05. Review status: no assertion criteria provided. Collection method: clinical testing. Allele origin: germline. Not counted in ClinVar's aggregate classification.